The following is an entry in ClinVar:

ClinVar aggregate classification (germline): Uncertain significance (1 of 4 stars; one submission).

Conditions:
Leigh syndrome (NULS). Also called: Leigh's necrotizing encephalopathy; Leigh's disease; Leigh Syndrome (mtDNA deletion); Leigh Disease; Subacute necrotizing encephalopathy; Necrotizing encephalopathy infantile subacute of Leigh. Identifiers: Orphanet 506, MedGen C2931891, MONDO:0009723, OMIM 256000.

Submission:

Wong Mito Lab, Molecular and Human Genetics, Baylor College of Medicine
Classification: Uncertain significance for Leigh syndrome. Last evaluated: 2019-10-17. Review status: criteria provided, single submitter. Criteria: Modified ACMG Guidelines (Unpublished). Collection method: clinical testing. Allele origin: germline.
Comment: The NC_012920.1:m.3652A>G (YP_003024026.1:p.Ile116Val) variant in MTND1 gene is interpretated to be a Uncertain Significance variant based on the modified ACMG guidelines (unpublished). This variant meets the following evidence codes: PP4

Literature cited by the submitters: PubMed 18691441.

NC_012920.1(MT-ND1):m.3652A>G

Gene: MT-ND1 (mitochondrially encoded NADH dehydrogenase 1; plus strand).
Variant type: single nucleotide variant.
Genome position: chrM-3652-A-G.
Identifiers: ClinVar variation 692383 (VCV000692383.1), dbSNP rs1603219066, ClinGen allele CA414773222.